The following is an entry in ClinVar:

NM_001844.5(COL2A1):c.1969G>T (p.Gly657Cys)

Gene: COL2A1 (collagen type II alpha 1 chain; minus strand). Cytogenetic location: 12q13.11.
Variant type: single nucleotide variant.
Coding change: c.1969G>T on transcript NM_001844.5 (MANE Select); coding-DNA position 1969, G replaced by T.
Protein change: p.Gly657Cys; replaces glycine 657 with cysteine.
Molecular consequence: missense variant.
Genome position (GRCh38, 1-based): chr12:47,983,709, C>A on the plus strand (G>T on the coding strand, the complement: COL2A1 is on the minus strand). VCF-style: chr12-47983709-C-A. GRCh37 (hg19) VCF-style: chr12-48377492-C-A.
Other names: c.1762G>T, p.Gly588Cys (NM_033150.3); short protein forms G588C, G657C.
Identifiers: ClinVar variation 1300818 (VCV001300818.3), dbSNP rs1269619781, ClinGen allele CA384548465.

ClinVar aggregate classification (germline): Pathogenic/Likely pathogenic. Review status: criteria provided, multiple submitters, no conflicts (2 of 4 stars). 2 submissions from 2 submitters: Pathogenic (1); Likely pathogenic (1). Last evaluated 2024-06-05.

Conditions:
COL2A1-related disorder. Also called: COL2A1-related condition; COL2A1-related disorders.

Submissions (2):

Blueprint Genetics
Classification: Likely pathogenic for COL2A1-related disorders. Last evaluated: 2024-06-05. Review status: criteria provided, single submitter. Criteria: ACMG Guidelines, 2015. Collection method: clinical testing. Allele origin: germline. Affected: yes. Observed: 1 variant allele.

GeneDx
Classification: Pathogenic. Last evaluated: 2021-06-04. Review status: criteria provided, single submitter. Criteria: GeneDx Variant Classification Process June 2021. Collection method: clinical testing. Allele origin: germline. Affected: yes.
Comment: Occurs at a Glycine position of the canonical Gly-X-Y repeat in the triple-helical collagenous domain; Not observed at significant frequency in large population cohorts (Lek et al., 2016); In silico analysis, which includes protein predictors and evolutionary conservation, supports a deleterious effect; Has not been previously published as pathogenic or benign to our knowledge; This variant is associated with the following publications: (PMID: 27535533)